The following is an entry in ClinVar:

ClinVar aggregate classification (germline): Uncertain significance. Review status: criteria provided, single submitter (1 of 4 stars). 2 submissions from 2 submitters: Uncertain significance (1). 1 of the submissions does not count toward it. Last evaluated 2019-10-22.

Conditions:
Hereditary diffuse leukoencephalopathy with spheroids. Also called: LEUKOENCEPHALOPATHY, ADULT-ONSET, WITH AXONAL SPHEROIDS AND PIGMENTED GLIA. Identifiers: Orphanet 313808, MedGen C3711381, MONDO:0030796.

Submissions (2):

GeneDx
Classification: Uncertain significance. Last evaluated: 2019-10-22. Review status: criteria provided, single submitter. Criteria: GeneDx Variant Classification Process June 2021. Collection method: clinical testing. Allele origin: germline. Affected: yes.
Comment: Reported previously in a patient with hereditary diffuse leukoencephalopathy with axonal spheroids (HDLS); parental testing not performed (Battisti et al., 2014); Not observed in large population cohorts (Lek et al., 2016); In silico analysis, which includes protein predictors and evolutionary conservation, supports a deleterious effect; A different missense change at this residue (C653Y) has been reported in Human Gene Mutation Database and published literature (Riku et al., 2014; Stenson et al., 2014); This variant is associated with the following publications: (PMID: 22934315, 27338940, 29122458, 24532199)

GeneReviews
No classification provided. Condition: Hereditary diffuse leukoencephalopathy with spheroids. Review status: no classification provided. Collection method: literature only. Allele origin: germline. Affected: yes. Not counted in ClinVar's aggregate classification.

Literature cited by the submitters: PubMed 24532199 (cited by GeneReviews); NCBI Bookshelf NBK100239 (cited by GeneReviews).

NM_001288705.3(CSF1R):c.1957T>C (p.Cys653Arg)

Gene: CSF1R (colony stimulating factor 1 receptor; minus strand). Cytogenetic location: 5q32.
Variant type: single nucleotide variant.
Coding change: c.1957T>C on transcript NM_001288705.3 (MANE Select); coding-DNA position 1957, T replaced by C.
Protein change: p.Cys653Arg; replaces cysteine 653 with arginine.
Molecular consequence: missense variant. On other transcripts: non-coding transcript variant (2).
Genome position (GRCh38, 1-based): chr5:150,060,874, A>G on the plus strand (T>C on the coding strand, the complement: CSF1R is on the minus strand). VCF-style: chr5-150060874-A-G. GRCh37 (hg19) VCF-style: chr5-149440437-A-G.
Other names: c.1957T>C, p.Cys653Arg (NM_001349736.2, NM_001375320.1, NM_005211.4); c.1513T>C, p.Cys505Arg (NM_001375321.1); short protein forms C653R, C505R.
Identifiers: ClinVar variation 162123 (VCV000162123.5), dbSNP rs690016559, ClinGen allele CA346092.
Genomic context (GRCh38, chr5:150,060,874, plus strand): 5'-TCCCCAGAGGCCCCAAGACCTTGGCCCCAGGAACCCCAAGGCCCTTACCTCCATGGGTAC[A>G]GGCTCCCAGAAGGTTGACGATGTTCTCGTGCTGGCCCAGGTGGCTCATGATCTTCAGCTC-3'
Protein context (NP_001275634.1, residues 643-663): HENIVNLLGA[Cys653Arg]THGGPVLVIT